The following is an entry in ClinVar:

ClinVar aggregate classification (germline): Uncertain significance (1 of 4 stars; one submission).

Conditions:
Leigh syndrome (NULS). Also called: Subacute necrotizing encephalopathy; Necrotizing encephalopathy infantile subacute of Leigh; Leigh's necrotizing encephalopathy; Leigh's disease; Leigh Syndrome (mtDNA deletion); Leigh's syndrome. Identifiers: Orphanet 506, MedGen C2931891, MONDO:0009723, OMIM 256000.

Allele frequency attached by ClinVar (database versions not stated): TOPMed below 0.00001.

Submission:

Labcorp Genetics (formerly Invitae), Labcorp
Classification: Uncertain significance for Leigh syndrome. Last evaluated: 2022-05-04. Review status: criteria provided, single submitter. Criteria: Invitae Variant Classification Sherloc (09022015). Collection method: clinical testing. Allele origin: germline.
Comment: This sequence change replaces proline, which is neutral and non-polar, with histidine, which is basic and polar, at codon 255 of the SURF1 protein (p.Pro255His). This variant is present in population databases (rs782579479, gnomAD 0.01%). This variant has not been reported in the literature in individuals affected with SURF1-related conditions. Algorithms developed to predict the effect of missense changes on protein structure and function are either unavailable or do not agree on the potential impact of this missense change (SIFT: "Deleterious"; PolyPhen-2: "Probably Damaging"; Align-GVGD: "Class C0"). In summary, the available evidence is currently insufficient to determine the role of this variant in disease. Therefore, it has been classified as a Variant of Uncertain Significance.

NM_003172.4(SURF1):c.764C>A (p.Pro255His)

Gene: SURF1 (SURF1 cytochrome c oxidase assembly factor; minus strand). Cytogenetic location: 9q34.2.
Variant type: single nucleotide variant.
Coding change: c.764C>A on transcript NM_003172.4 (MANE Select); coding-DNA position 764, C replaced by A.
Protein change: p.Pro255His; replaces proline 255 with histidine.
Molecular consequence: missense variant.
Genome position (GRCh38, 1-based): chr9:133,352,130, G>T on the plus strand (C>A on the coding strand, the complement: SURF1 is on the minus strand). VCF-style: chr9-133352130-G-T. GRCh37 (hg19) VCF-style: chr9-136218985-G-T.
Other names: c.437C>A, p.Pro146His (NM_001280787.1); short protein forms P255H, P146H.
Identifiers: ClinVar variation 2133542 (VCV002133542.4), dbSNP rs782579479, ClinGen allele CA200832104.